The following is an entry in ClinVar:

ClinVar aggregate classification (germline): Conflicting classifications of pathogenicity. Review status: criteria provided, conflicting classifications (1 of 4 stars). 2 submissions from 2 submitters: Likely pathogenic (1); Uncertain significance (1). Last evaluated 2024-10-08.

Submissions (2):

Blueprint Genetics
Classification: Uncertain significance. Last evaluated: 2024-10-08. Review status: criteria provided, single submitter. Criteria: ACMG Guidelines, 2015. Collection method: clinical testing. Allele origin: germline.

CeGaT Center for Human Genetics Tuebingen
Classification: Likely pathogenic. Last evaluated: 2023-09-01. Review status: criteria provided, single submitter. Criteria: CeGaT Center For Human Genetics Tuebingen Variant Classification Criteria Version 2. Collection method: clinical testing. Allele origin: germline. Affected: yes. Observed: 2 variant alleles.
Comment: RORB: PVS1:Strong, PM2

NM_006914.4(RORB):c.1000+1G>T

Gene: RORB (RAR related orphan receptor B; plus strand). Cytogenetic location: 9q21.13.
Variant type: single nucleotide variant.
Coding change: c.1000+1G>T on transcript NM_006914.4 (MANE Select); the canonical splice donor site of the intron after coding-DNA position 1000, G replaced by T.
Molecular consequence: splice donor variant.
Genome position (GRCh38, 1-based): chr9:74,665,596, G>T. VCF-style: chr9-74665596-G-T. GRCh37 (hg19) VCF-style: chr9-77280512-G-T.
Other names: c.1033+1G>T (NM_001365023.1).
Identifiers: ClinVar variation 1711688 (VCV001711688.31), dbSNP rs2489633918, ClinGen allele CA373771218.